The following is an entry in ClinVar:

NM_002715.4(PPP2CA):c.539T>G (p.Ile180Ser)

Gene: PPP2CA (protein phosphatase 2 catalytic subunit alpha; minus strand). Cytogenetic location: 5q31.1.
Variant type: single nucleotide variant.
Coding change: c.539T>G on transcript NM_002715.4 (MANE Select); coding-DNA position 539, T replaced by G.
Protein change: p.Ile180Ser; replaces isoleucine 180 with serine.
Molecular consequence: missense variant. On other transcripts: non-coding transcript variant (1).
Genome position (GRCh38, 1-based): chr5:134,201,022, A>C on the plus strand (T>G on the coding strand, the complement: PPP2CA is on the minus strand). VCF-style: chr5-134201022-A-C. GRCh37 (hg19) VCF-style: chr5-133536713-A-C.
Other names: c.344T>G, p.Ile115Ser (NM_001355019.2); short protein forms I115S, I180S.
Identifiers: ClinVar variation 3368535 (VCV003368535.1).

ClinVar aggregate classification (germline): Uncertain significance (1 of 4 stars; one submission).

Submission:

GeneDx
Classification: Uncertain significance. Last evaluated: 2024-01-30. Review status: criteria provided, single submitter. Criteria: GeneDx Variant Classification Process June 2021. Collection method: clinical testing. Allele origin: germline. Affected: yes.
Comment: Not observed at significant frequency in large population cohorts (gnomAD); In silico analysis supports that this missense variant has a deleterious effect on protein structure/function; Has not been previously published as pathogenic or benign to our knowledge